The following is an entry in ClinVar:

NM_058216.3(RAD51C):c.966-4G>C

Gene: RAD51C (RAD51 paralog C; plus strand). Cytogenetic location: 17q22.
Variant type: single nucleotide variant.
Coding change: c.966-4G>C on transcript NM_058216.3 (MANE Select); 4 bases into the intron before coding-DNA position 966, G replaced by C.
Molecular consequence: intron variant.
Genome position (GRCh38, 1-based): chr17:58,732,480, G>C. VCF-style: chr17-58732480-G-C. GRCh37 (hg19) VCF-style: chr17-56809841-G-C.
Identifiers: ClinVar variation 241783 (VCV000241783.11), dbSNP rs878855183, ClinGen allele CA10583609.
Genomic context (GRCh38, chr17:58,732,480, plus strand): 5'-CATCTGAACTTTTAATTAATTAAGTTCATGTGTTTGTATGTATTTATTCTTTTTCTTTAA[G>C]CAGGTTGGCAACATTGTACAAGTCACCCAGCCAGAAGGAATGCACAGTACTGTTTCAAAT-3'

ClinVar aggregate classification (germline): Likely benign. Review status: criteria provided, multiple submitters, no conflicts (2 of 4 stars). 2 submissions from 2 submitters: Likely benign (2). Last evaluated 2025-02-19.

Conditions:
Breast-ovarian cancer, familial, susceptibility to, 3. Also called: RAD51C-Related Breast/Ovarian Cancer. Identifiers: Orphanet 145, MedGen C3150659, MONDO:0013253, OMIM 613399.
Fanconi anemia complementation group O. Also called: RAD51C-Related Fanconi Anemia. Identifiers: Orphanet 84, MedGen C3150653, MONDO:0013248, OMIM 613390.

Allele frequency attached by ClinVar (database versions not stated): gnomAD exomes below 0.00001.
gnomAD v4.1: 1 of 1,611,248 alleles (0.000062%); highest among the groups gnomAD compares: Admixed American, 0.0017%; no homozygotes.

Submissions (2):

Myriad Genetics, Inc.
Classification: Likely benign for Breast-ovarian cancer, familial, susceptibility to, 3. Last evaluated: 2025-02-19. Review status: criteria provided, single submitter. Criteria: Myriad Autosomal Dominant, Autosomal Recessive and X-Linked Classification Criteria (2023). Collection method: clinical testing. Allele origin: unknown.
Comment: This variant is considered likely benign. This variant is intronic and is not expected to impact mRNA splicing.

Labcorp Genetics (formerly Invitae), Labcorp
Classification: Likely benign for Fanconi anemia complementation group O. Last evaluated: 2016-01-05. Review status: criteria provided, single submitter. Criteria: Invitae Variant Classification Sherloc (09022015). Collection method: clinical testing. Allele origin: germline.